The following is an entry in ClinVar:

NM_019066.5(MAGEL2):c.2647G>A (p.Gly883Ser)

Gene: MAGEL2 (MAGE family member L2; minus strand). Cytogenetic location: 15q11.2.
Variant type: single nucleotide variant.
Coding change: c.2647G>A on transcript NM_019066.5 (MANE Select); coding-DNA position 2647, G replaced by A.
Protein change: p.Gly883Ser; replaces glycine 883 with serine.
Molecular consequence: missense variant.
Genome position (GRCh38, 1-based): chr15:23,645,096, C>T on the plus strand (G>A on the coding strand, the complement: MAGEL2 is on the minus strand). VCF-style: chr15-23645096-C-T. GRCh37 (hg19) VCF-style: chr15-23890243-C-T.
Other names: c.2647G>A (NM_019066.4); short protein forms G883S.
Identifiers: ClinVar variation 1366818 (VCV001366818.31), dbSNP rs1459626677, ClinGen allele CA391330597.
Genomic context (GRCh38, chr15:23,645,096, plus strand): 5'-GCGTGTGGCCACGGCTGTCCTCTTGGGCTTCCAGATGCTTCTTCTTCCGGGTGGCCTTGC[C>T]GGAGCGGCGTGGCGGCTCGACGGAGGTCTTGGAGGCCTCTTGAGTGGTGGCAGTTGCCTG-3'
Protein context (NP_061939.3, residues 873-893): KTSVEPPRRS[Gly883Ser]KATRKKKHLE

ClinVar aggregate classification (germline): Conflicting classifications of pathogenicity. Review status: criteria provided, conflicting classifications (1 of 4 stars). 4 submissions from 4 submitters: Uncertain significance (3); Likely benign (1). Last evaluated 2026-05-01.

Conditions:
MAGEL2-related disorder. Also called: MAGEL2-related condition.
Inborn genetic diseases. Identifiers: MedGen C0950123, MeSH D030342.

Allele frequency attached by ClinVar (database versions not stated): gnomAD 0.00001; TOPMed 0.00001.

Submissions (4):

CeGaT Center for Human Genetics Tuebingen
Classification: Likely benign. Last evaluated: 2026-05-01. Review status: criteria provided, single submitter. Criteria: CeGaT Center For Human Genetics Tuebingen Variant Classification Criteria Version 2. Collection method: clinical testing. Allele origin: germline. Affected: yes. Observed: 4 variant alleles.
Comment: MAGEL2: BP4

PreventionGenetics, part of Exact Sciences
Classification: Uncertain significance for MAGEL2-related condition. Last evaluated: 2025-08-01. Review status: criteria provided, single submitter. Criteria: ACMG Guidelines, 2015. Collection method: clinical testing. Allele origin: germline.
Comment: The MAGEL2 c.2647G>A variant is predicted to result in the amino acid substitution p.Gly883Ser. To our knowledge, this variant has not been reported in the literature or in a large population database (gnomAD), indicating this variant is rare. At this time, the clinical significance of this variant is uncertain due to the absence of conclusive functional and genetic evidence.

Labcorp Genetics (formerly Invitae), Labcorp
Classification: Uncertain significance. Last evaluated: 2024-12-23. Review status: criteria provided, single submitter. Criteria: Invitae Variant Classification Sherloc (09022015). Collection method: clinical testing. Allele origin: germline.
Comment: This sequence change replaces glycine, which is neutral and non-polar, with serine, which is neutral and polar, at codon 883 of the MAGEL2 protein (p.Gly883Ser). This variant is not present in population databases (gnomAD no frequency). This variant has not been reported in the literature in individuals affected with MAGEL2-related conditions. ClinVar contains an entry for this variant (Variation ID: 1366818). Invitae Evidence Modeling of protein sequence and biophysical properties (such as structural, functional, and spatial information, amino acid conservation, physicochemical variation, residue mobility, and thermodynamic stability) has been performed for this missense variant. However, the output from this modeling did not meet the statistical confidence thresholds required to predict the impact of this variant on MAGEL2 protein function. In summary, the available evidence is currently insufficient to determine the role of this variant in disease. Therefore, it has been classified as a Variant of Uncertain Significance.

Ambry Genetics
Classification: Uncertain significance for Inborn genetic diseases. Last evaluated: 2024-10-07. Review status: criteria provided, single submitter. Criteria: Ambry Variant Classification Scheme 2023. Collection method: clinical testing. Allele origin: germline.